The following is an entry in ClinVar:

NM_012330.4(KAT6B):c.2748C>A (p.His916Gln)

Gene: KAT6B (lysine acetyltransferase 6B; plus strand). Cytogenetic location: 10q22.2.
Variant type: single nucleotide variant.
Coding change: c.2748C>A on transcript NM_012330.4 (MANE Select); coding-DNA position 2748, C replaced by A.
Protein change: p.His916Gln; replaces histidine 916 with glutamine.
Molecular consequence: missense variant.
Genome position (GRCh38, 1-based): chr10:75,020,700, C>A. VCF-style: chr10-75020700-C-A. GRCh37 (hg19) VCF-style: chr10-76780458-C-A.
Other names: c.2199C>A, p.His733Gln (NM_001256468.2, NM_001370138.1); c.1872C>A, p.His624Gln (NM_001256469.2, NM_001370139.1, NM_001370140.1 and 2 more transcripts); c.1710C>A, p.His570Gln (NM_001370132.1); c.1059C>A, p.His353Gln (NM_001370133.1); c.663C>A, p.His221Gln (NM_001370134.1); c.405C>A, p.His135Gln (NM_001370135.1); c.2748C>A, p.His916Gln (NM_001370136.1, NM_001370137.1); c.1683C>A, p.His561Gln (NM_001370143.1, NM_001370144.1); short protein forms H561Q, H221Q, H353Q, H135Q, H570Q, H624Q, H733Q, H916Q.
Identifiers: ClinVar variation 4742722 (VCV004742722.1).

ClinVar aggregate classification (germline): Uncertain significance (1 of 4 stars; one submission).

Conditions:
Genitopatellar syndrome (GTPTS). Also called: ABSENT PATELLAE, SCROTAL HYPOPLASIA, RENAL ANOMALIES, FACIAL DYSMORPHISM, AND MENTAL RETARDATION; Genitopatellar syndrome (GPS). Identifiers: Orphanet 85201, MedGen C1853566, MONDO:0011640, OMIM 606170.

Submission:

Labcorp Genetics (formerly Invitae), Labcorp
Classification: Uncertain significance for Genitopatellar syndrome. Last evaluated: 2025-04-23. Review status: criteria provided, single submitter. Criteria: Invitae Variant Classification Sherloc (09022015). Collection method: clinical testing. Allele origin: germline.
Comment: This sequence change replaces histidine, which is basic and polar, with glutamine, which is neutral and polar, at codon 916 of the KAT6B protein (p.His916Gln). This variant is not present in population databases (gnomAD no frequency). This variant has not been reported in the literature in individuals affected with KAT6B-related conditions. Invitae Evidence Modeling of protein sequence and biophysical properties (such as structural, functional, and spatial information, amino acid conservation, physicochemical variation, residue mobility, and thermodynamic stability) indicates that this missense variant is not expected to disrupt KAT6B protein function with a negative predictive value of 80%. In summary, the available evidence is currently insufficient to determine the role of this variant in disease. Therefore, it has been classified as a Variant of Uncertain Significance.